The following is an entry in ClinVar:

ClinVar aggregate classification (germline): Uncertain significance (1 of 4 stars; one submission).

Submission:

GeneDx
Classification: Uncertain significance. Last evaluated: 2025-05-16. Review status: criteria provided, single submitter. Criteria: GeneDx Variant Classification Process June 2021. Collection method: clinical testing. Allele origin: germline. Affected: yes.
Comment: Not observed at significant frequency in large population cohorts (gnomAD); In silico analysis supports that this missense variant has a deleterious effect on protein structure/function; Has not been previously published as pathogenic or benign to our knowledge

NM_001346249.2(RALGAPA1):c.6067C>G (p.Leu2023Val)

Gene: RALGAPA1 (Ral GTPase activating protein catalytic subunit alpha 1; minus strand). Cytogenetic location: 14q13.2.
Variant type: single nucleotide variant.
Coding change: c.6067C>G on transcript NM_001346249.2 (MANE Select); coding-DNA position 6067, C replaced by G.
Protein change: p.Leu2023Val; replaces leucine 2023 with valine.
Molecular consequence: missense variant.
Genome position (GRCh38, 1-based): chr14:35,627,880, G>C on the plus strand (C>G on the coding strand, the complement: RALGAPA1 is on the minus strand). VCF-style: chr14-35627880-G-C. GRCh37 (hg19) VCF-style: chr14-36097086-G-C.
Other names: c.4588C>G, p.Leu1530Val (NM_001283043.3); c.4690C>G, p.Leu1564Val (NM_001283044.3, NM_001346245.2, NM_001346247.2); c.5926C>G, p.Leu1976Val (NM_001330075.3, NM_001346248.2); c.4549C>G, p.Leu1517Val (NM_001346243.2, NM_001346246.2, NM_014990.3 and 1 more transcripts); short protein forms L1517V, L1530V, L1564V, L1976V, L2023V.
Identifiers: ClinVar variation 4529573 (VCV004529573.1).